The following is an entry in ClinVar:

ClinVar aggregate classification (germline): Uncertain significance (1 of 4 stars; one submission).

Submission:

GeneDx
Classification: Uncertain significance. Last evaluated: 2025-05-22. Review status: criteria provided, single submitter. Criteria: GeneDx Variant Classification Process June 2021. Collection method: clinical testing. Allele origin: germline. Affected: yes.
Comment: Not observed at significant frequency in large population cohorts (gnomAD); In silico analysis suggests that this variant does not alter splicing; Has not been previously published as pathogenic or benign to our knowledge

NM_001083962.2(TCF4):c.369+6del

Gene: TCF4 (transcription factor 4; minus strand). Cytogenetic location: 18q21.2.
Variant type: Deletion.
Coding change: c.369+6del on transcript NM_001083962.2 (MANE Select); 6 bases into the intron after coding-DNA position 369, one base deleted (T; older notation c.369+6delT).
Molecular consequence: intron variant.
Genome position (GRCh38, 1-based): chr18:55,403,448, A deleted on the plus strand (T on the coding strand, the reverse complement: TCF4 is on the minus strand). VCF-style (leftmost placement, unchanged base first): chr18-55403447-CA-C. GRCh37 (hg19) VCF-style: chr18-53070678-CA-C.
Other names: c.675+6del (NM_001243226.3); c.297+6del (NM_001369584.1, NM_001369576.1, NM_001369577.1 and 15 more transcripts); c.369+6del (NM_001369571.1, NM_001369567.1, NM_001243228.2 and 8 more transcripts); c.363+6del (NM_001243230.2); c.243+6del (NM_001243231.2, NM_001348211.2); c.-19+6del (NM_001348212.2); c.-22+6del (NM_001348213.2, NM_001243233.2); c.159+6del (NM_001306208.1, NM_001243232.1).
Identifiers: ClinVar variation 4531024 (VCV004531024.1).